The following is an entry in ClinVar:

ClinVar aggregate classification (germline): Benign/Likely benign. Review status: criteria provided, multiple submitters, no conflicts (2 of 4 stars). 8 submissions from 7 submitters: Benign (3); Likely benign (5). Last evaluated 2026-03-09.

Conditions:
Brain small vessel disease 1 with or without ocular anomalies (BSVD1). Also called: Brain small vessel disease with or without ocular anomalies; BRAIN SMALL VESSEL DISEASE WITH HEMORRHAGE; GOULD SYNDROME 1; PORENCEPHALY, TYPE 1, AUTOSOMAL DOMINANT. Identifiers: Orphanet 2940, Orphanet 36383, Orphanet 99810, MedGen C4755307, MONDO:0008289, OMIM 175780.
Retinal arterial tortuosity. Also called: RETINAL HEMORRHAGE WITH VASCULAR TORTUOSITY; Retinal arteries, tortuosity of. Identifiers: Orphanet 75326, MedGen C0423401, MONDO:0008373, OMIM 180000, HP:0000631.
Hemorrhage, intracerebral, susceptibility to (ICH). Also called: Stroke, hemorrhagic, susceptibility to. Identifiers: MedGen C3281105, MONDO:0100533, OMIM 614519.
Autosomal dominant familial hematuria-retinal arteriolar tortuosity-contractures syndrome. Also called: Angiopathy, hereditary, with nephropathy, aneurysms, and muscle cramps; Hereditary Angiopathy with Nephropathy, Aneurysms, and Muscle Cramps (HANAC) Syndrome. Identifiers: Orphanet 73229, MedGen C2673195, MONDO:0012726, OMIM 611773.
Microangiopathy and leukoencephalopathy, pontine, autosomal dominant. Also called: Pontine autosomal dominant microangiopathy with leukoencephalopathy; DEMENTIA, HEREDITARY MULTI-INFARCT, SWEDISH TYPE. Identifiers: Orphanet 477749, MedGen C5231411, MONDO:0032814, OMIM 618564.

Allele frequency attached by ClinVar (database versions not stated): 1000 Genomes Project below 0.00001; gnomAD exomes 0.00002 and 0.00006; ExAC 0.00009; ESP Exome Variant Server 0.00023; gnomAD 0.00032 and 0.00034; TOPMed 0.00036.
gnomAD v4.1: 95 of 1,613,956 alleles (0.0059%); highest among the groups gnomAD compares: African/African-American, 0.11%; 2 homozygotes.

Submissions (8):

Women's Health and Genetics/Laboratory Corporation of America, LabCorp
Classification: Likely benign. Last evaluated: 2026-03-09. Review status: criteria provided, single submitter. Criteria: LabCorp Variant Classification Summary - May 2015. Collection method: clinical testing. Allele origin: germline.

Labcorp Genetics (formerly Invitae), Labcorp
Classification: Likely benign. Last evaluated: 2025-12-24. Review status: criteria provided, single submitter. Criteria: Invitae Variant Classification Sherloc (09022015). Collection method: clinical testing. Allele origin: germline.

Blueprint Genetics
Classification: Likely benign. Last evaluated: 2024-09-13. Review status: criteria provided, single submitter. Criteria: ACMG Guidelines, 2015. Collection method: clinical testing. Allele origin: germline.

Fulgent Genetics
Classification: Likely benign for Brain small vessel disease 1 with or without ocular anomalies; Retinal arterial tortuosity; Autosomal dominant familial hematuria-retinal arteriolar tortuosity-contractures syndrome; Hemorrhage, intracerebral, susceptibility to; Microangiopathy and leukoencephalopathy, pontine, autosomal dominant. Last evaluated: 2022-01-20. Review status: criteria provided, single submitter. Criteria: ACMG Guidelines, 2015. Collection method: clinical testing. Allele origin: unknown.

Athena Diagnostics
Classification: Benign. Last evaluated: 2021-01-13. Review status: criteria provided, single submitter. Criteria: Athena Diagnostics criteria. Collection method: clinical testing. Allele origin: unknown.

Illumina Laboratory Services, Illumina
Classification: Benign for Autosomal dominant familial hematuria-retinal arteriolar tortuosity-contractures syndrome. Last evaluated: 2018-01-13. Review status: criteria provided, single submitter. Criteria: ICSL Variant Classification Criteria 13 December 2019. Collection method: clinical testing. Allele origin: germline.
Comment: This variant was observed in the ICSL laboratory as part of a predisposition screen in an ostensibly healthy population. It had not been previously curated by ICSL or reported in the Human Gene Mutation Database (HGMD: prior to June 1st, 2018), and was therefore a candidate for classification through an automated scoring system. Utilizing variant allele frequency, disease prevalence and penetrance estimates, and inheritance mode, an automated score was calculated to assess if this variant is too frequent to cause the disease. Based on the score and internal cut-off values, a variant classified as benign is not then subjected to further curation. The score for this variant resulted in a classification of benign for this disease.

Illumina Laboratory Services, Illumina
Classification: Benign for Brain small vessel disease 1 with or without ocular anomalies. Last evaluated: 2018-01-13. Review status: criteria provided, single submitter. Criteria: ICSL Variant Classification Criteria 13 December 2019. Collection method: clinical testing. Allele origin: germline.
Comment: the same text as in the submission from Illumina Laboratory Services, Illumina above.

Breakthrough Genomics
Classification: Likely benign. Review status: criteria provided, single submitter. Criteria: ACMG Guidelines, 2015. Collection method: not provided. Allele origin: germline. Inheritance: Autosomal dominant inheritance. Affected: yes.

NM_001845.6(COL4A1):c.3774T>C (p.Leu1258=)

Gene: COL4A1 (collagen type IV alpha 1 chain; minus strand). Cytogenetic location: 13q34.
Variant type: single nucleotide variant.
Coding change: c.3774T>C on transcript NM_001845.6 (MANE Select); coding-DNA position 3774, T replaced by C.
Protein change: p.Leu1258=; no amino-acid change (leucine 1258 retained).
Molecular consequence: synonymous variant.
Genome position (GRCh38, 1-based): chr13:110,169,731, A>G on the plus strand (T>C on the coding strand, the complement: COL4A1 is on the minus strand). VCF-style: chr13-110169731-A-G. GRCh37 (hg19) VCF-style: chr13-110822078-A-G.
Identifiers: ClinVar variation 715098 (VCV000715098.20), dbSNP rs139578640, ClinGen allele CA7047141.
Genomic context (GRCh38, chr13:110,169,731, plus strand): 5'-ACCGGGTGCTCCTGGCCAGCCTGGATTTCCTTTGTCACCTTTAACTCCATCAATCCCAGG[A>G]AGCCCTGGAGGCCCCATGGGTCCCGGAAGTCCTAATGGAAGAGAAGAAAGCCACACATTT-3'
Protein context (NP_001836.3, residues 1248-1268): GLPGPMGPPG[Leu1258=]PGIDGVKGDK